The following is an entry in ClinVar:

NC_000009.11:g.(?_135171239)_(135187263_?)del

Gene: SETX (senataxin; minus strand). Cytogenetic location: 9q34.13.
Variant type: Deletion.
Identifiers: ClinVar variation 3245202 (VCV003245202.1).

ClinVar aggregate classification (germline): Pathogenic (1 of 4 stars; one submission).

Conditions:
Amyotrophic lateral sclerosis type 4 (ALS4). Also called: AMYOTROPHIC LATERAL SCLEROSIS 4, JUVENILE; NEURONOPATHY, DISTAL HEREDITARY MOTOR, WITH PYRAMIDAL FEATURES. Identifiers: Orphanet 357043, MedGen C1865409, MONDO:0011223, OMIM 602433.
Spinocerebellar ataxia, autosomal recessive, with axonal neuropathy 2 (SCAN2). Also called: Ataxia-ocular apraxia-2; ATAXIA-OCULOMOTOR APRAXIA 2; Ataxia with Oculomotor Apraxia; Ataxia with Oculomotor Apraxia Type 2. Identifiers: Orphanet 64753, MedGen C1853761, MONDO:0018996, OMIM 606002.

Submission:

Labcorp Genetics (formerly Invitae), Labcorp
Classification: Pathogenic for Amyotrophic lateral sclerosis type 4; Spinocerebellar ataxia, autosomal recessive, with axonal neuropathy 2. Last evaluated: 2023-02-25. Review status: criteria provided, single submitter. Criteria: Invitae Variant Classification Sherloc (09022015). Collection method: clinical testing. Allele origin: unknown.
Comment: For these reasons, this variant has been classified as Pathogenic. This variant is a gross deletion of the genomic region encompassing exon(s) 11-15 of the SETX gene. This deletion is out-of-frame, and is expected to create a premature termination codon and result in an absent or disrupted protein product. Loss-of-function variants in SETX are known to be pathogenic (PMID: 14770181). A similar copy number variant has been observed in individual(s) with autosomal recessive spinocerebellar ataxia (PMID: 26811093).

Literature cited by the submitters: PubMed 14770181; PubMed 26811093.